The following is an entry in ClinVar:

NM_025216.3(WNT10A):c.813C>A (p.Cys271Ter)

Gene: WNT10A (Wnt family member 10A; plus strand). Cytogenetic location: 2q35.
Variant type: single nucleotide variant.
Coding change: c.813C>A on transcript NM_025216.3 (MANE Select); coding-DNA position 813, C replaced by A.
Protein change: p.Cys271Ter; replaces cysteine 271 with a stop codon.
Molecular consequence: nonsense.
Genome position (GRCh38, 1-based): chr2:218,892,830, C>A. VCF-style: chr2-218892830-C-A. GRCh37 (hg19) VCF-style: chr2-219757552-C-A.
Other names: short protein forms C271*.
Identifiers: ClinVar variation 2945944 (VCV002945944.3), dbSNP rs915439029, ClinGen allele CA350589621.

ClinVar aggregate classification (germline): Pathogenic (1 of 4 stars; one submission).

Conditions:
Odonto-onycho-dermal dysplasia. Identifiers: Orphanet 2721, MedGen C0796093, MONDO:0009773, OMIM 257980.
Tooth agenesis, selective, 4 (STHAG4). Also called: LATERAL INCISORS, ABSENCE OF; LATERAL INCISORS, PEGGED OR MISSING; SUCCEDANEOUS TEETH, AGENESIS OF; TOOTH AGENESIS, SELECTIVE, 4, WITH OR WITHOUT ECTODERMAL DYSPLASIA. Identifiers: Orphanet 99798, MedGen C1835492, MONDO:0007881, OMIM 150400. Disease mechanism: loss of function.

Allele frequency attached by ClinVar (database versions not stated): TOPMed below 0.00001; gnomAD 0.00001.

Submission:

Labcorp Genetics (formerly Invitae), Labcorp
Classification: Pathogenic for Tooth agenesis, selective, 4; Odonto-onycho-dermal dysplasia. Last evaluated: 2023-07-22. Review status: criteria provided, single submitter. Criteria: Invitae Variant Classification Sherloc (09022015). Collection method: clinical testing. Allele origin: germline.
Comment: For these reasons, this variant has been classified as Pathogenic. This variant disrupts a region of the WNT10A protein in which other variant(s) (p.Glu390*) have been determined to be pathogenic (PMID: 24902757). This suggests that this is a clinically significant region of the protein, and that variants that disrupt it are likely to be disease-causing. This variant has not been reported in the literature in individuals affected with WNT10A-related conditions. This variant is not present in population databases (gnomAD no frequency). This sequence change creates a premature translational stop signal (p.Cys271*) in the WNT10A gene. While this is not anticipated to result in nonsense mediated decay, it is expected to disrupt the last 147 amino acid(s) of the WNT10A protein.

Literature cited by the submitters: PubMed 24902757.